The following is an entry in ClinVar:

ClinVar aggregate classification (germline): Uncertain significance. Review status: criteria provided, multiple submitters, no conflicts (2 of 4 stars). 3 submissions from 3 submitters: Uncertain significance (3). Last evaluated 2025-05-06.

Conditions:
Inborn genetic diseases. Identifiers: MedGen C0950123, MeSH D030342.

Allele frequency attached by ClinVar (database versions not stated): gnomAD exomes 0.00001 and 0.00002; TOPMed 0.00001; gnomAD 0.00003 and 0.00004.

Submissions (3):

Women's Health and Genetics/Laboratory Corporation of America, LabCorp
Classification: Uncertain significance. Last evaluated: 2025-05-06. Review status: criteria provided, single submitter. Criteria: LabCorp Variant Classification Summary - May 2015. Collection method: clinical testing. Allele origin: germline.
Comment: Variant summary: CAD c.6227C>T (p.Thr2076Met) results in a non-conservative amino acid change in the encoded protein sequence. Algorithms developed to predict the effect of missense changes on protein structure and function all suggest that this variant is likely to be disruptive. The variant allele was found at a frequency of 2e-05 in 1586750 control chromosomes. This frequency is not significantly higher than estimated for a pathogenic variant in CAD causing Early Infantile Epileptic Encephalopathy, 50 (2e-05 vs 0.0011), allowing no conclusion about variant significance. To our knowledge, no occurrence of c.6227C>T in individuals affected with Early Infantile Epileptic Encephalopathy, 50 and no experimental evidence demonstrating its impact on protein function have been reported. ClinVar contains an entry for this variant (Variation ID: 1464963). Based on the evidence outlined above, the variant was classified as uncertain significance.

Ambry Genetics
Classification: Uncertain significance for Inborn genetic diseases. Last evaluated: 2023-03-13. Review status: criteria provided, single submitter. Criteria: Ambry Variant Classification Scheme 2023. Collection method: clinical testing. Allele origin: germline.

Labcorp Genetics (formerly Invitae), Labcorp
Classification: Uncertain significance. Last evaluated: 2022-08-23. Review status: criteria provided, single submitter. Criteria: Invitae Variant Classification Sherloc (09022015). Collection method: clinical testing. Allele origin: germline.
Comment: This sequence change replaces threonine, which is neutral and polar, with methionine, which is neutral and non-polar, at codon 2076 of the CAD protein (p.Thr2076Met). This variant is present in population databases (no rsID available, gnomAD 0.006%). This variant has not been reported in the literature in individuals affected with CAD-related conditions. ClinVar contains an entry for this variant (Variation ID: 1464963). Algorithms developed to predict the effect of missense changes on protein structure and function are either unavailable or do not agree on the potential impact of this missense change (SIFT: "Deleterious"; PolyPhen-2: "Probably Damaging"; Align-GVGD: "Class C15"). In summary, the available evidence is currently insufficient to determine the role of this variant in disease. Therefore, it has been classified as a Variant of Uncertain Significance.

NM_004341.5(CAD):c.6227C>T (p.Thr2076Met)

Gene: CAD (carbamoyl-phosphate synthetase 2, aspartate transcarbamylase, and dihydroorotase; plus strand). Cytogenetic location: 2p23.3.
Variant type: single nucleotide variant.
Coding change: c.6227C>T on transcript NM_004341.5 (MANE Select); coding-DNA position 6227, C replaced by T.
Protein change: p.Thr2076Met; replaces threonine 2076 with methionine.
Molecular consequence: missense variant.
Genome position (GRCh38, 1-based): chr2:27,242,624, C>T. VCF-style: chr2-27242624-C-T. GRCh37 (hg19) VCF-style: chr2-27465492-C-T.
Other names: c.6038C>T, p.Thr2013Met (NM_001306079.2); c.6227C>T (NM_004341.3); short protein forms T2013M, T2076M.
Identifiers: ClinVar variation 1464963 (VCV001464963.6), dbSNP rs930895338, ClinGen allele CA44521423.
Genomic context (GRCh38, chr2:27,242,624, plus strand): 5'-TGATGTCGGGGGGCACTCAGTCTGGGATCCCTGTGGTGACTGGATTCCTCTCCTAGATCA[C>T]GATGGTGGGTGACCTGAAGCACGGACGCACAGTACATTCCCTGGCCTGCCTGCTCACCCA-3'
Protein context (NP_004332.2, residues 2066-2086): ELGTVNGMTI[Thr2076Met]MVGDLKHGRT